The following is an entry in ClinVar:

ClinVar aggregate classification (germline): Uncertain significance (1 of 4 stars; one submission).

gnomAD v4.1: 8 of 1,613,978 alleles (0.0005%); highest among the groups gnomAD compares: African/African-American, 0.011%; no homozygotes.

Submission:

Labcorp Genetics (formerly Invitae), Labcorp
Classification: Uncertain significance. Last evaluated: 2024-07-19. Review status: criteria provided, single submitter. Criteria: Invitae Variant Classification Sherloc (09022015). Collection method: clinical testing. Allele origin: germline.
Comment: This sequence change replaces proline, which is neutral and non-polar, with arginine, which is basic and polar, at codon 2681 of the COL7A1 protein (p.Pro2681Arg). This variant is present in population databases (rs753443085, gnomAD 0.03%). This variant has not been reported in the literature in individuals affected with COL7A1-related conditions. Advanced modeling of protein sequence and biophysical properties (such as structural, functional, and spatial information, amino acid conservation, physicochemical variation, residue mobility, and thermodynamic stability) has been performed at Invitae for this missense variant, however the output from this modeling did not meet the statistical confidence thresholds required to predict the impact of this variant on COL7A1 protein function. In summary, the available evidence is currently insufficient to determine the role of this variant in disease. Therefore, it has been classified as a Variant of Uncertain Significance.

NM_000094.4(COL7A1):c.8042C>G (p.Pro2681Arg)

Gene: COL7A1 (collagen type VII alpha 1 chain; minus strand). Cytogenetic location: 3p21.31.
Variant type: single nucleotide variant.
Coding change: c.8042C>G on transcript NM_000094.4 (MANE Select); coding-DNA position 8042, C replaced by G.
Protein change: p.Pro2681Arg; replaces proline 2681 with arginine.
Molecular consequence: missense variant.
Genome position (GRCh38, 1-based): chr3:48,567,578, G>C on the plus strand (C>G on the coding strand, the complement: COL7A1 is on the minus strand). VCF-style: chr3-48567578-G-C. GRCh37 (hg19) VCF-style: chr3-48605011-G-C.
Other names: short protein forms P2681R.
Identifiers: ClinVar variation 3702918 (VCV003702918.2).
Genomic context (GRCh38, chr3:48,567,578, plus strand): 5'-AGCTTCCCTGCCCCATCCTGACTCCCTGTCATGTCCACTGTCCACAGACCCTGTACCTTG[G>C]GACCGATCAGGCCCTCCTTGCCAGGGGCCCCCGACTGGCCCGGCACACCAGGCTCCCCCT-3'
Protein context (NP_000085.1, residues 2671-2691): GAPGKEGLIG[Pro2681Arg]KGDRGFDGQP